The following is an entry in ClinVar:

NM_020066.5(FMN2):c.3138A>T (p.Pro1046=)

Gene: FMN2 (formin 2; plus strand). Cytogenetic location: 1q43.
Variant type: single nucleotide variant.
Coding change: c.3138A>T on transcript NM_020066.5 (MANE Select); coding-DNA position 3138, A replaced by T.
Protein change: p.Pro1046=; no amino-acid change (proline 1046 retained).
Molecular consequence: synonymous variant. On other transcripts: intron variant (1).
Genome position (GRCh38, 1-based): chr1:240,207,950, A>T. VCF-style: chr1-240207950-A-T. GRCh37 (hg19) VCF-style: chr1-240371250-A-T.
Other names: c.3150A>T, p.Pro1050= (NM_001305424.2); c.1986+19688A>T (NM_001348094.2); c.3138A>T (NM_020066.4).
Identifiers: ClinVar variation 2640167 (VCV002640167.25), dbSNP rs530821922, ClinGen allele CA1477012.

ClinVar aggregate classification (germline): Likely benign. Review status: criteria provided, multiple submitters, no conflicts (2 of 4 stars). 2 submissions from 2 submitters: Likely benign (2). Last evaluated 2026-07-01.

Conditions:
FMN2-related disorder. Also called: FMN2-related condition.

Allele frequency attached by ClinVar (database versions not stated): gnomAD 0.00022.

Submissions (2):

CeGaT Center for Human Genetics Tuebingen
Classification: Likely benign. Last evaluated: 2026-07-01. Review status: criteria provided, single submitter. Criteria: CeGaT Center For Human Genetics Tuebingen Variant Classification Criteria Version 2. Collection method: clinical testing. Allele origin: germline. Affected: yes. Observed: 31 variant alleles.
Comment: FMN2: BP4, BP7

PreventionGenetics, part of Exact Sciences
Classification: Likely benign for FMN2-related condition. Last evaluated: 2020-12-28. Review status: criteria provided, single submitter. Criteria: ACMG Guidelines, 2015. Collection method: clinical testing. Allele origin: germline.
Comment: This variant is classified as likely benign based on ACMG/AMP sequence variant interpretation guidelines (Richards et al. 2015 PMID: 25741868, with internal and published modifications).